The following is an entry in ClinVar:

ClinVar aggregate classification (germline): Pathogenic/Likely pathogenic. Review status: criteria provided, multiple submitters, no conflicts (2 of 4 stars). 3 submissions from 3 submitters: Pathogenic (1); Likely pathogenic (1). 1 of the submissions does not count toward it. Last evaluated 2026-06-08.

Conditions:
PDE6B-related disorder. Also called: PDE6B-related disorders; PDE6B-related disease; PDE6B-related condition.
Retinitis pigmentosa 40 (RP40). Identifiers: Orphanet 791, MedGen C3151107, MONDO:0013429, OMIM 613801.

gnomAD v4.1: 1 of 1,612,900 alleles (0.000062%); highest among the groups gnomAD compares: South Asian, 0.0011%; no homozygotes.

Submissions (3):

PreventionGenetics, part of Exact Sciences
Classification: Likely pathogenic for PDE6B-related condition. Last evaluated: 2026-06-08. Review status: criteria provided, single submitter. Criteria: ACMG Guidelines, 2015. Collection method: clinical testing. Allele origin: germline.
Comment: The PDE6B c.1160C>T variant is predicted to result in the amino acid substitution p.Pro387Leu. This variant has been reported as segregating with disease in the homozygous state in a large kindred with retinitis pigmentosa (Ali et al. 2011. PubMed ID: 21655355). This variant has also been reported in the homozygous state in an additional unrelated individual with retinal disease (Table S1, Lin et al. 2024. PubMed ID: 38219857). This variant is absent in a large population database (gnomAD), indicating this variant is rare. This variant is interpreted as likely pathogenic for autosomal recessive disease.

Labcorp Genetics (formerly Invitae), Labcorp
Classification: Pathogenic. Last evaluated: 2022-09-16. Review status: criteria provided, single submitter. Criteria: Invitae Variant Classification Sherloc (09022015). Collection method: clinical testing. Allele origin: germline.
Comment: ClinVar contains an entry for this variant (Variation ID: 1184487). Advanced modeling of protein sequence and biophysical properties (such as structural, functional, and spatial information, amino acid conservation, physicochemical variation, residue mobility, and thermodynamic stability) performed at Invitae indicates that this missense variant is expected to disrupt PDE6B protein function. For these reasons, this variant has been classified as Pathogenic. This missense change has been observed in individuals with autosomal recessive retinitis pigmentosa (PMID: 21655355; Invitiae). It has also been observed to segregate with disease in related individuals. This sequence change replaces proline, which is neutral and non-polar, with leucine, which is neutral and non-polar, at codon 387 of the PDE6B protein (p.Pro387Leu). This variant is not present in population databases (gnomAD no frequency).

Genomics England Pilot Project, Genomics England
Classification: Likely pathogenic for Retinitis pigmentosa 40. Review status: no assertion criteria provided. Criteria: ACGS Guidelines, 2016. Collection method: clinical testing. Allele origin: germline. Affected: yes. Not counted in ClinVar's aggregate classification.

Literature cited by the submitters: PubMed 21655355 (cited by Labcorp Genetics (formerly Invitae), Labcorp).

NM_000283.4(PDE6B):c.1160C>T (p.Pro387Leu)

Gene: PDE6B (phosphodiesterase 6B; plus strand). Cytogenetic location: 4p16.3.
Variant type: single nucleotide variant.
Coding change: c.1160C>T on transcript NM_000283.4 (MANE Select); coding-DNA position 1160, C replaced by T.
Protein change: p.Pro387Leu; replaces proline 387 with leucine.
Molecular consequence: missense variant.
Genome position (GRCh38, 1-based): chr4:656,926, C>T. VCF-style: chr4-656926-C-T. GRCh37 (hg19) VCF-style: chr4-650715-C-T.
Other names: c.1160C>T (NM_000283.3); c.1160C>T, p.Pro387Leu (NM_001145291.2); c.323C>T, p.Pro108Leu (NM_001145292.2, NM_001350154.3, NM_001379246.1 and 1 more transcripts); c.5C>T, p.Pro2Leu (NM_001350155.3); short protein forms P108L, P2L, P387L.
Identifiers: ClinVar variation 1184487 (VCV001184487.9), dbSNP rs1392709495, ClinGen allele CA355913169.